The following is an entry in ClinVar:

ClinVar aggregate classification (germline): Conflicting classifications of pathogenicity. Review status: criteria provided, conflicting classifications (1 of 4 stars). 3 submissions from 3 submitters: Uncertain significance (2); Likely benign (1). Last evaluated 2026-07-06.

Conditions:
Familial cancer of breast. Also called: BREAST CANCER, FAMILIAL; Hereditary breast cancer; hereditary breast carcinoma. Identifiers: Orphanet 227535, MedGen C0346153, MONDO:0016419, OMIM 114480. Disease mechanism: loss of function.
Hereditary cancer-predisposing syndrome. Also called: Tumor predisposition; Hereditary Cancer Syndrome; Hereditary neoplastic syndrome; Neoplastic Syndromes, Hereditary. Identifiers: Orphanet 140162, MedGen C0027672, MeSH D009386, MONDO:0015356.
Ataxia-telangiectasia syndrome (AT). Also called: Ataxia-telangiectasia, complementation group E; LOUIS-BAR SYNDROME; Ataxia telangiectasia (A-T); Cerebello-oculocutaneous telangiectasia; Immunodeficiency with ataxia telangiectasia; Ataxia-telangiectasia, complementation group D. Identifiers: Orphanet 100, MedGen C0004135, MONDO:0008840, OMIM 208900.

Submissions (3):

KCCC/NGS Laboratory, Kuwait Cancer Control Center
Classification: Uncertain significance for Familial cancer of breast. Last evaluated: 2026-07-06. Review status: criteria provided, single submitter. Criteria: ACMG Guidelines, 2015. Collection method: clinical testing. Allele origin: germline. Inheritance: Autosomal dominant inheritance. Affected: yes.
Comment: A Variant of uncertain significance was detected in ATM gene

Ambry Genetics
Classification: Likely benign for Hereditary cancer-predisposing syndrome. Last evaluated: 2025-08-22. Review status: criteria provided, single submitter. Criteria: Ambry Variant Classification Scheme 2023. Collection method: clinical testing. Allele origin: germline.

Labcorp Genetics (formerly Invitae), Labcorp
Classification: Uncertain significance for Ataxia-telangiectasia syndrome. Last evaluated: 2023-01-03. Review status: criteria provided, single submitter. Criteria: Invitae Variant Classification Sherloc (09022015). Collection method: clinical testing. Allele origin: germline.
Comment: In summary, the available evidence is currently insufficient to determine the role of this variant in disease. Therefore, it has been classified as a Variant of Uncertain Significance. This sequence change falls in intron 22 of the ATM gene. It does not directly change the encoded amino acid sequence of the ATM protein. It affects a nucleotide within the consensus splice site. This variant is present in population databases (rs761592860, gnomAD 0.003%). This variant has not been reported in the literature in individuals affected with ATM-related conditions. ClinVar contains an entry for this variant (Variation ID: 823427). Variants that disrupt the consensus splice site are a relatively common cause of aberrant splicing (PMID: 17576681, 9536098). Algorithms developed to predict the effect of sequence changes on RNA splicing suggest that this variant is not likely to affect RNA splicing.

Literature cited by the submitters: PubMed 17576681 (cited by Labcorp Genetics (formerly Invitae), Labcorp); PubMed 9536098 (cited by Labcorp Genetics (formerly Invitae), Labcorp).

NM_000051.4(ATM):c.3284+4del

Gene: ATM (ATM serine/threonine kinase; plus strand). Cytogenetic location: 11q22.3.
Variant type: Deletion.
Coding change: c.3284+4del on transcript NM_000051.4 (MANE Select); 4 bases into the intron after coding-DNA position 3284, one base deleted (A; older notation c.3284+4delA).
Molecular consequence: intron variant.
Genome position (GRCh38, 1-based): chr11:108,272,856, A deleted; the last of 2 consecutive A bases (chr11:108,272,855-108,272,856); deleting either gives the same sequence. VCF-style (leftmost placement, unchanged base first): chr11-108272854-TA-T. GRCh37 (hg19) VCF-style: chr11-108143581-TA-T.
Other names: c.3284+4delA (NM_000051.3); c.3284+4del (NM_000051.3, NM_001351834.2).
Identifiers: ClinVar variation 823427 (VCV000823427.11), dbSNP rs761592860, ClinGen allele CA6265240.
Genomic context (GRCh38, chr11:108,272,854, plus strand): 5'-CAATTTCTTGCTGACAATCATCACCAAGTTCGCATGTTGGCTGCAGAGTCAATCAATAGG[TA>T]ATGGGTCAAATATTCATGAAGTATTTGGAATGCTGCAGATGGCAGTAGAATGTCTTACAT-3'